The following is an entry in ClinVar:

ClinVar aggregate classification (germline): Pathogenic. Review status: criteria provided, multiple submitters, no conflicts (2 of 4 stars). 2 submissions from 2 submitters: Pathogenic (2). Last evaluated 2024-10-16.

Submissions (2):

Labcorp Genetics (formerly Invitae), Labcorp
Classification: Pathogenic. Last evaluated: 2024-10-16. Review status: criteria provided, single submitter. Criteria: Invitae Variant Classification Sherloc (09022015). Collection method: clinical testing. Allele origin: germline.
Comment: This sequence change creates a premature translational stop signal (p.Gln840Lysfs*69) in the NEXMIF gene. It is expected to result in an absent or disrupted protein product. Loss-of-function variants in NEXMIF are known to be pathogenic (PMID: 23615299). This variant is not present in population databases (gnomAD no frequency). This variant has not been reported in the literature in individuals affected with NEXMIF-related conditions. ClinVar contains an entry for this variant (Variation ID: 1998077). For these reasons, this variant has been classified as Pathogenic.

Ambry Genetics
Classification: Pathogenic. Last evaluated: 2024-01-18. Review status: criteria provided, single submitter. Criteria: Ambry Variant Classification Scheme 2023. Collection method: clinical testing. Allele origin: germline.
Comment: The c.2518delC (p.Q840Kfs*69) alteration, located in exon 3 (coding exon 2) of the KIAA2022 gene, consists of a deletion of one nucleotide at position 2518, causing a translational frameshift with a predicted alternate stop codon after 69 amino acids. This alteration is expected to result in loss of function by premature protein truncation or nonsense-mediated mRNA decay. This variant was not reported in population-based cohorts in the Genome Aggregation Database (gnomAD). Based on the available evidence, this alteration is classified as pathogenic.

Literature cited by the submitters: PubMed 23615299 (cited by Labcorp Genetics (formerly Invitae), Labcorp).

NM_001008537.3(NEXMIF):c.2518del (p.Gln840fs)

Gene: NEXMIF (neurite extension and migration factor; minus strand). Cytogenetic location: Xq13.3.
Variant type: Deletion.
Coding change: c.2518del on transcript NM_001008537.3 (MANE Select); coding-DNA position 2518, one base deleted (C; older notation c.2518delC).
Protein change: p.Gln840fs; shifts the reading frame from glutamine 840.
Molecular consequence: frameshift variant.
Genome position (GRCh38, 1-based): chrX:74,742,039, G deleted on the plus strand (C on the coding strand, the reverse complement: NEXMIF is on the minus strand). VCF-style (leftmost placement, unchanged base first): chrX-74742038-TG-T. GRCh37 (hg19) VCF-style: chrX-73961873-TG-T.
Other names: c.2518delC (NM_001008537.2); short protein forms Q840fs.
Identifiers: ClinVar variation 1998077 (VCV001998077.5), dbSNP rs2519913791, ClinGen allele CA2580101496.